The following is an entry in ClinVar:

NM_002834.5(PTPN11):c.1163T>C (p.Val388Ala)

Gene: PTPN11 (protein tyrosine phosphatase non-receptor type 11; plus strand). Cytogenetic location: 12q24.13.
Variant type: single nucleotide variant.
Coding change: c.1163T>C on transcript NM_002834.5 (MANE Select); coding-DNA position 1163, T replaced by C.
Protein change: p.Val388Ala; replaces valine 388 with alanine.
Molecular consequence: missense variant.
Genome position (GRCh38, 1-based): chr12:112,482,144, T>C. VCF-style: chr12-112482144-T-C. GRCh37 (hg19) VCF-style: chr12-112919948-T-C.
Other names: c.1163T>C, p.Val388Ala (NM_001330437.2, NM_080601.3); c.1160T>C, p.Val387Ala (NM_001374625.1); short protein forms V388A, V387A.
Identifiers: ClinVar variation 3682957 (VCV003682957.2).

ClinVar aggregate classification (germline): Uncertain significance (1 of 4 stars; one submission).

Conditions:
RASopathy. Also called: Noonan spectrum disorder; rasopathies. Identifiers: Orphanet 536391, MedGen C5555857, MONDO:0021060.

Submission:

Labcorp Genetics (formerly Invitae), Labcorp
Classification: Uncertain significance for RASopathy. Last evaluated: 2024-04-13. Review status: criteria provided, single submitter. Criteria: Invitae Variant Classification Sherloc (09022015). Collection method: clinical testing. Allele origin: germline.
Comment: This sequence change replaces valine, which is neutral and non-polar, with alanine, which is neutral and non-polar, at codon 388 of the PTPN11 protein (p.Val388Ala). This variant is not present in population databases (gnomAD no frequency). This variant has not been reported in the literature in individuals affected with PTPN11-related conditions. Advanced modeling of protein sequence and biophysical properties (such as structural, functional, and spatial information, amino acid conservation, physicochemical variation, residue mobility, and thermodynamic stability) performed at Invitae indicates that this missense variant is expected to disrupt PTPN11 protein function with a positive predictive value of 95%. In summary, the available evidence is currently insufficient to determine the role of this variant in disease. Therefore, it has been classified as a Variant of Uncertain Significance.